The following is an entry in ClinVar:

NM_001023570.4(IQCB1):c.157A>G (p.Ile53Val)

Gene: IQCB1 (IQ motif containing B1; minus strand). Cytogenetic location: 3q13.33.
Variant type: single nucleotide variant.
Coding change: c.157A>G on transcript NM_001023570.4 (MANE Select); coding-DNA position 157, A replaced by G.
Protein change: p.Ile53Val; replaces isoleucine 53 with valine.
Molecular consequence: missense variant. On other transcripts: non-coding transcript variant (1).
Genome position (GRCh38, 1-based): chr3:121,828,576, T>C on the plus strand (A>G on the coding strand, the complement: IQCB1 is on the minus strand). VCF-style: chr3-121828576-T-C. GRCh37 (hg19) VCF-style: chr3-121547423-T-C.
Other names: c.157A>G, p.Ile53Val (NM_001023571.4, NM_001319107.2); short protein forms I53V.
Identifiers: ClinVar variation 956786 (VCV000956786.11), dbSNP rs542335278, ClinGen allele CA82701178.

ClinVar aggregate classification (germline): Uncertain significance. Review status: criteria provided, multiple submitters, no conflicts (2 of 4 stars). 3 submissions from 3 submitters: Uncertain significance (3). Last evaluated 2025-11-05.

Conditions:
Nephronophthisis. Also called: Juvenile Nephronophthisis. Identifiers: Orphanet 655, MedGen C0687120, MONDO:0019005, HP:0000090.
Inborn genetic diseases. Identifiers: MedGen C0950123, MeSH D030342.
Senior-Loken syndrome 5 (SLSN5). Identifiers: Orphanet 3156, MedGen C1836517, MONDO:0012225, OMIM 609254.

Allele frequency attached by ClinVar (database versions not stated): gnomAD exomes below 0.00001; gnomAD 0.00001; TOPMed 0.00001.
gnomAD v4.1: 5 of 1,603,302 alleles (0.00031%); highest among the groups gnomAD compares: Admixed American, 0.0033%; no homozygotes.

Submissions (3):

Ambry Genetics
Classification: Uncertain significance for Inborn genetic diseases. Last evaluated: 2025-11-05. Review status: criteria provided, single submitter. Criteria: Ambry Variant Classification Scheme 2023. Collection method: clinical testing. Allele origin: germline.

Labcorp Genetics (formerly Invitae), Labcorp
Classification: Uncertain significance for Nephronophthisis. Last evaluated: 2022-08-19. Review status: criteria provided, single submitter. Criteria: Invitae Variant Classification Sherloc (09022015). Collection method: clinical testing. Allele origin: germline.
Comment: This variant is present in population databases (rs542335278, gnomAD 0.003%). This sequence change replaces isoleucine, which is neutral and non-polar, with valine, which is neutral and non-polar, at codon 53 of the IQCB1 protein (p.Ile53Val). This variant has not been reported in the literature in individuals affected with IQCB1-related conditions. ClinVar contains an entry for this variant (Variation ID: 956786). Algorithms developed to predict the effect of missense changes on protein structure and function are either unavailable or do not agree on the potential impact of this missense change (SIFT: "Tolerated"; PolyPhen-2: "Probably Damaging"; Align-GVGD: "Class C15"). In summary, the available evidence is currently insufficient to determine the role of this variant in disease. Therefore, it has been classified as a Variant of Uncertain Significance.

Fulgent Genetics
Classification: Uncertain significance for Senior-Loken syndrome 5. Last evaluated: 2022-05-10. Review status: criteria provided, single submitter. Criteria: ACMG Guidelines, 2015. Collection method: clinical testing. Allele origin: unknown.